The following is an entry in ClinVar:

ClinVar aggregate classification (germline): Benign/Likely benign. Review status: criteria provided, multiple submitters, no conflicts (2 of 4 stars). 10 submissions from 10 submitters: Benign (7); Likely benign (1). 2 of the submissions do not count toward it. Last evaluated 2026-02-04.

Conditions:
Disorders of Intracellular Cobalamin Metabolism. Identifiers: MedGen CN043592.
Gastrointestinal stromal tumor. Also called: Gastrointestinal stromal tumor, somatic; Gastrointestinal stroma tumor. Identifiers: Orphanet 44890, MedGen C0238198, MeSH D046152, MONDO:0011719, OMIM 606764, HP:0100723.
Methylcobalamin deficiency type cblE (HMAE). Also called: HOMOCYSTINURIA-MEGALOBLASTIC ANEMIA, cblE TYPE; VITAMIN B12-RESPONSIVE HOMOCYSTINURIA, cblE TYPE; HOMOCYSTINURIA-MEGALOBLASTIC ANEMIA, cblE COMPLEMENTATION TYPE. Identifiers: Orphanet 2169, Orphanet 622, MedGen C1856057, MONDO:0009354, OMIM 236270.

Allele frequency attached by ClinVar (database versions not stated): gnomAD exomes 0.13201 and 0.17595; ExAC 0.17107; ESP Exome Variant Server 0.20614; gnomAD 0.20742 and 0.20973; TOPMed 0.23343; 1000 Genomes Project 0.25319; 1000 Genomes Project 30x 0.26327.
gnomAD v4.1: 225,324 of 1,613,752 alleles (14%); highest among the groups gnomAD compares: African/African-American, 39%; 20,669 homozygotes.

Submissions (10):

Labcorp Genetics (formerly Invitae), Labcorp
Classification: Benign for Methylcobalamin deficiency type cblE. Last evaluated: 2026-02-04. Review status: criteria provided, single submitter. Criteria: Invitae Variant Classification Sherloc (09022015). Collection method: clinical testing. Allele origin: germline.

Women's Health and Genetics/Laboratory Corporation of America, LabCorp
Classification: Likely benign. Last evaluated: 2024-11-11. Review status: criteria provided, single submitter. Criteria: LabCorp Variant Classification Summary - May 2015. Collection method: clinical testing. Allele origin: germline.

Mayo Clinic Laboratories, Mayo Clinic
Classification: Benign. Last evaluated: 2022-03-03. Review status: criteria provided, single submitter. Criteria: ACMG Guidelines, 2015. Collection method: clinical testing. Allele origin: germline. Observed: 33 variant alleles.

Genome-Nilou Lab
Classification: Benign for Methylcobalamin deficiency type cblE. Last evaluated: 2021-09-05. Review status: criteria provided, single submitter. Criteria: ACMG Guidelines, 2015. Collection method: clinical testing. Allele origin: germline. Affected: no.

Pars Genome Lab
Classification: Benign for Methylcobalamin deficiency type cblE. Last evaluated: 2021-06-19. Review status: criteria provided, single submitter. Criteria: ACMG Guidelines, 2015. Collection method: clinical testing. Allele origin: germline. Affected: no.

Illumina Laboratory Services, Illumina
Classification: Benign for Disorders of Intracellular Cobalamin Metabolism. Last evaluated: 2018-01-12. Review status: criteria provided, single submitter. Criteria: ICSL Variant Classification Criteria 13 December 2019. Collection method: clinical testing. Allele origin: germline.
Comment: This variant was observed in the ICSL laboratory as part of a predisposition screen in an ostensibly healthy population. It had not been previously curated by ICSL or reported in the Human Gene Mutation Database (HGMD: prior to June 1st, 2018), and was therefore a candidate for classification through an automated scoring system. Utilizing variant allele frequency, disease prevalence and penetrance estimates, and inheritance mode, an automated score was calculated to assess if this variant is too frequent to cause the disease. Based on the score and internal cut-off values, a variant classified as benign is not then subjected to further curation. The score for this variant resulted in a classification of benign for this disease.

GeneDx
Classification: Benign. Last evaluated: 2013-05-29. Review status: criteria provided, single submitter. Criteria: GeneDx Variant Classification (06012015). Collection method: clinical testing. Allele origin: germline. Affected: yes.
Comment: This variant is considered likely benign or benign based on one or more of the following criteria: it is a conservative change, it occurs at a poorly conserved position in the protein, it is predicted to be benign by multiple in silico algorithms, and/or has population frequency not consistent with disease.

Breakthrough Genomics
Classification: Benign. Review status: criteria provided, single submitter. Criteria: ACMG Guidelines, 2015. Collection method: not provided. Allele origin: germline. Inheritance: Autosomal recessive inheritance. Affected: yes.

Natera, Inc.
Classification: Benign for CblE complementation type homocystinuria-megaloblastic anemia due to defect in cobalamin metabolism. Last evaluated: 2020-09-16. Review status: no assertion criteria provided. Collection method: clinical testing. Allele origin: germline. Not counted in ClinVar's aggregate classification.

Department of Pharmacy and Biotechnology, University of Bologna
Classification: Uncertain significance for Gastrointestinal Stromal Tumors. Review status: no assertion criteria provided. Collection method: case-control. Allele origin: germline. Affected: yes. Observed: 12 variant alleles, 11 heterozygotes, 1 homozygote. Not counted in ClinVar's aggregate classification.

Literature cited by the submitters: PubMed 25227144 (cited by Department of Pharmacy and Biotechnology, University of Bologna).

NM_002454.3(MTRR):c.1049A>G (p.Lys350Arg)

Gene: MTRR (5-methyltetrahydrofolate-homocysteine methyltransferase reductase; plus strand). Cytogenetic location: 5p15.31.
Variant type: single nucleotide variant.
Coding change: c.1049A>G on transcript NM_002454.3 (MANE Select); coding-DNA position 1049, A replaced by G.
Protein change: p.Lys350Arg; replaces lysine 350 with arginine.
Molecular consequence: missense variant. On other transcripts: non-coding transcript variant (14).
Genome position (GRCh38, 1-based): chr5:7,885,846, A>G. VCF-style: chr5-7885846-A-G. GRCh37 (hg19) VCF-style: chr5-7885959-A-G.
Other names: p.K377R:AAG>AGG; p.Lys350Arg; c.1049A>G, p.Lys350Arg (NM_001364440.2, NM_001364441.2, NM_001364442.2 and 1 more transcripts); short protein forms K350R.
Identifiers: ClinVar variation 138291 (VCV000138291.20), dbSNP rs162036, ClinGen allele CA170998.